The following is an entry in ClinVar:

NM_000836.4(GRIN2D):c.3835C>T (p.Pro1279Ser)

Gene: GRIN2D (glutamate ionotropic receptor NMDA type subunit 2D; plus strand). Cytogenetic location: 19q13.33.
Variant type: single nucleotide variant.
Coding change: c.3835C>T on transcript NM_000836.4 (MANE Select); coding-DNA position 3835, C replaced by T.
Protein change: p.Pro1279Ser; replaces proline 1279 with serine.
Molecular consequence: missense variant.
Genome position (GRCh38, 1-based): chr19:48,443,761, C>T. VCF-style: chr19-48443761-C-T. GRCh37 (hg19) VCF-style: chr19-48947018-C-T.
Other names: c.3835C>T (NM_000836.2); short protein forms P1279S.
Identifiers: ClinVar variation 1390873 (VCV001390873.7), dbSNP rs1206254904, ClinGen allele CA406678512.
Genomic context (GRCh38, chr19:48,443,761, plus strand): 5'-GGCTGGGACCTCCCGCCGCCCGCGCCCACCTCGCGCTCGCTCGAGGACCTCAGCTCGTGC[C>T]CTCGCGCCGCCCCTGCGCGCAGGCTTACCGGGCCCTCCCGCCACGCTCGCAGGTGTCCGC-3'
Protein context (NP_000827.2, residues 1269-1289): SRSLEDLSSC[Pro1279Ser]RAAPARRLTG

ClinVar aggregate classification (germline): Uncertain significance. Review status: criteria provided, multiple submitters, no conflicts (2 of 4 stars). 2 submissions from 2 submitters: Uncertain significance (2). Last evaluated 2025-03-01.

Conditions:
Inborn genetic diseases. Identifiers: MedGen C0950123, MeSH D030342.

Allele frequency attached by ClinVar (database versions not stated): gnomAD 0.00001; TOPMed 0.00003.

Submissions (2):

Ambry Genetics
Classification: Uncertain significance for Inborn genetic diseases. Last evaluated: 2025-03-01. Review status: criteria provided, single submitter. Criteria: Ambry Variant Classification Scheme 2023. Collection method: clinical testing. Allele origin: germline.

Labcorp Genetics (formerly Invitae), Labcorp
Classification: Uncertain significance. Last evaluated: 2022-08-31. Review status: criteria provided, single submitter. Criteria: Invitae Variant Classification Sherloc (09022015). Collection method: clinical testing. Allele origin: germline.
Comment: In summary, the available evidence is currently insufficient to determine the role of this variant in disease. Therefore, it has been classified as a Variant of Uncertain Significance. Advanced modeling of protein sequence and biophysical properties (such as structural, functional, and spatial information, amino acid conservation, physicochemical variation, residue mobility, and thermodynamic stability) performed at Invitae indicates that this missense variant is not expected to disrupt GRIN2D protein function. ClinVar contains an entry for this variant (Variation ID: 1390873). This variant has not been reported in the literature in individuals affected with GRIN2D-related conditions. This variant is not present in population databases (gnomAD no frequency). This sequence change replaces proline, which is neutral and non-polar, with serine, which is neutral and polar, at codon 1279 of the GRIN2D protein (p.Pro1279Ser).